The following is an entry in ClinVar:

ClinVar aggregate classification (germline): Pathogenic (0 of 4 stars; one submission).

Conditions:
Familial cancer of breast. Also called: BREAST CANCER, FAMILIAL; Hereditary breast cancer; hereditary breast carcinoma. Identifiers: Orphanet 227535, MedGen C0346153, MONDO:0016419, OMIM 114480. Disease mechanism: loss of function.

Submission:

Leiden Open Variation Database
Classification: Pathogenic for Familial cancer of breast. Last evaluated: 2019-05-13. Review status: no assertion criteria provided. Collection method: curation. Allele origin: germline. Affected: yes.
Comment: Curators: Marc Tischkowitz, Arleen D. Auerbach. Submitter to LOVD: Marc Tischkowitz.

Literature cited by the submitters: PubMed 22052327.

NC_000016.10:g.(23608013_23614003)_(23626398_23629203)del

Gene: PALB2 (partner and localizer of BRCA2; minus strand). Cytogenetic location: 16p12.2.
Variant type: Deletion.
Identifiers: ClinVar variation 830175 (VCV000830175.2).